The following is an entry in ClinVar:

NM_001621.5(AHR):c.1837G>A (p.Val613Ile)

Gene: AHR (aryl hydrocarbon receptor; plus strand). Cytogenetic location: 7p21.1.
Variant type: single nucleotide variant.
Coding change: c.1837G>A on transcript NM_001621.5 (MANE Select); coding-DNA position 1837, G replaced by A.
Protein change: p.Val613Ile; replaces valine 613 with isoleucine.
Molecular consequence: missense variant.
Genome position (GRCh38, 1-based): chr7:17,339,662, G>A. VCF-style: chr7-17339662-G-A. GRCh37 (hg19) VCF-style: chr7-17379286-G-A.
Other names: short protein forms V613I.
Identifiers: ClinVar variation 2157201 (VCV002157201.4), dbSNP rs2534450999, ClinGen allele CA366895301.

ClinVar aggregate classification (germline): Uncertain significance (1 of 4 stars; one submission).

Allele frequency attached by ClinVar (database versions not stated): gnomAD exomes below 0.00001.
gnomAD v4.1: 2 of 1,614,020 alleles (0.00012%); highest among the groups gnomAD compares: Non-Finnish European, 0.00017%; no homozygotes.

Submission:

Labcorp Genetics (formerly Invitae), Labcorp
Classification: Uncertain significance. Last evaluated: 2024-05-29. Review status: criteria provided, single submitter. Criteria: Invitae Variant Classification Sherloc (09022015). Collection method: clinical testing. Allele origin: germline.
Comment: This sequence change replaces valine, which is neutral and non-polar, with isoleucine, which is neutral and non-polar, at codon 613 of the AHR protein (p.Val613Ile). This variant is not present in population databases (gnomAD no frequency). This variant has not been reported in the literature in individuals affected with AHR-related conditions. ClinVar contains an entry for this variant (Variation ID: 2157201). An algorithm developed to predict the effect of missense changes on protein structure and function (PolyPhen-2) suggests that this variant is likely to be tolerated. In summary, the available evidence is currently insufficient to determine the role of this variant in disease. Therefore, it has been classified as a Variant of Uncertain Significance.